The following is an entry in ClinVar:

NM_001356.5(DDX3X):c.655G>C (p.Asp219His)

Gene: DDX3X (DEAD-box helicase 3 X-linked; plus strand). Cytogenetic location: Xp11.4.
Variant type: single nucleotide variant.
Coding change: c.655G>C on transcript NM_001356.5 (MANE Select); coding-DNA position 655, G replaced by C.
Protein change: p.Asp219His; replaces aspartic acid 219 with histidine.
Molecular consequence: missense variant. On other transcripts: non-coding transcript variant (1).
Genome position (GRCh38, 1-based): chrX:41,343,327, G>C. VCF-style: chrX-41343327-G-C. GRCh37 (hg19) VCF-style: chrX-41202580-G-C.
Other names: c.655G>C, p.Asp219His (NM_001193416.3); c.607G>C, p.Asp203His (NM_001193417.3); c.97G>C, p.Asp33His (NM_001363819.1); short protein forms D203H, D219H, D33H.
Identifiers: ClinVar variation 3043830 (VCV003043830.2), dbSNP rs2519511481, ClinGen allele CA412768215.
Genomic context (GRCh38, chrX:41,343,327, plus strand): 5'-CGTTATACTCGCCCAACTCCAGTGCAAAAGCATGCTATTCCTATTATCAAAGAGAAAAGA[G>C]ACTTGATGGCTTGTGCCCAAACAGGTAAGCTCAACTCATAAGAGTAAAACATCATATTTC-3'
Protein context (NP_001347.3, residues 209-229): HAIPIIKEKR[Asp219His]LMACAQTGSG

ClinVar aggregate classification (germline): Uncertain significance (0 of 4 stars; one submission).

Conditions:
DDX3X-related disorder. Also called: DDX3X-related condition.

Submission:

PreventionGenetics, part of Exact Sciences
Classification: Uncertain significance for DDX3X-related condition. Last evaluated: 2023-12-22. Review status: no assertion criteria provided. Collection method: clinical testing. Allele origin: germline.
Comment: The DDX3X c.655G>C variant is predicted to result in the amino acid substitution p.Asp219His. To our knowledge, this variant has not been reported in the literature or in a large population database, indicating this variant is rare. At this time, the clinical significance of this variant is uncertain due to the absence of conclusive functional and genetic evidence.